The following is an entry in ClinVar:

NM_198525.3(KIF7):c.2335G>A (p.Glu779Lys)

Gene: KIF7 (kinesin family member 7; minus strand). Cytogenetic location: 15q26.1.
Variant type: single nucleotide variant.
Coding change: c.2335G>A on transcript NM_198525.3 (MANE Select); coding-DNA position 2335, G replaced by A.
Protein change: p.Glu779Lys; replaces glutamic acid 779 with lysine.
Molecular consequence: missense variant.
Genome position (GRCh38, 1-based): chr15:89,642,262, C>T on the plus strand (G>A on the coding strand, the complement: KIF7 is on the minus strand). VCF-style: chr15-89642262-C-T. GRCh37 (hg19) VCF-style: chr15-90185493-C-T.
Other names: short protein forms E779K.
Identifiers: ClinVar variation 2155031 (VCV002155031.2), dbSNP rs116823950, ClinGen allele CA7728233.

ClinVar aggregate classification (germline): Uncertain significance (1 of 4 stars; one submission).

Conditions:
Acrocallosal syndrome (ACLS). Also called: Schinzel syndrome 1; Absence of corpus callosum with unusual facial appearance, mental deficiency, duplication of the halluces and polydactyly; HALLUX DUPLICATION, POSTAXIAL POLYDACTYLY, AND ABSENCE OF CORPUS CALLOSUM. Identifiers: Orphanet 36, MedGen C0796147, MONDO:0008708, OMIM 200990.

Allele frequency attached by ClinVar (database versions not stated): 1000 Genomes Project 30x 0.00031.
gnomAD v4.1: 11 of 1,610,384 alleles (0.00068%); highest among the groups gnomAD compares: African/African-American, 0.008%; no homozygotes.

Submission:

Labcorp Genetics (formerly Invitae), Labcorp
Classification: Uncertain significance for Acrocallosal syndrome. Last evaluated: 2021-12-21. Review status: criteria provided, single submitter. Criteria: Invitae Variant Classification Sherloc (09022015). Collection method: clinical testing. Allele origin: germline.
Comment: This sequence change replaces glutamic acid, which is acidic and polar, with lysine, which is basic and polar, at codon 779 of the KIF7 protein (p.Glu779Lys). In summary, the available evidence is currently insufficient to determine the role of this variant in disease. Therefore, it has been classified as a Variant of Uncertain Significance. Algorithms developed to predict the effect of missense changes on protein structure and function are either unavailable or do not agree on the potential impact of this missense change (SIFT: "Deleterious"; PolyPhen-2: "Benign"; Align-GVGD: "Class C0"). This variant has not been reported in the literature in individuals affected with KIF7-related conditions. This variant is present in population databases (rs116823950, gnomAD 0.007%).